The following is an entry in ClinVar:

ClinVar aggregate classification (germline): Conflicting classifications of pathogenicity. Review status: criteria provided, conflicting classifications (1 of 4 stars). 20 submissions from 16 submitters: Uncertain significance (8); VUS-high (1); Benign (2); Likely benign (8). 1 of the submissions does not count toward it. Last evaluated 2026-09-01.

Conditions:
Cardiovascular phenotype. Identifiers: MedGen CN230736.
Autosomal recessive titinopathy. Identifiers: MedGen CN315649, MONDO:0100493.
Ventricular tachycardia. Identifiers: MedGen C0042514, MONDO:0005477, HP:0004756.
Autosomal recessive limb-girdle muscular dystrophy type 2J (LGMDR10). Also called: Limb-girdle muscular dystrophy, type 2J; MUSCULAR DYSTROPHY, LIMB-GIRDLE, AUTOSOMAL RECESSIVE 10. Identifiers: Orphanet 140922, MedGen C1837342, MONDO:0012127, OMIM 608807.
Dilated cardiomyopathy 1G (CMD1G). Identifiers: Orphanet 154, MedGen C1858763, MONDO:0011400, OMIM 604145.
Cardiomyopathy (CMYO). Also called: Cardiomyopathies. Identifiers: Orphanet 167848, MedGen C0878544, MONDO:0004994, HP:0001638. Inheritance: Various modes of inheritance.
Early-onset myopathy with fatal cardiomyopathy (CMYO5). Also called: Salih Myopathy; CONGENITAL MYOPATHY 5 WITH CARDIOMYOPATHY. Identifiers: Orphanet 289377, MedGen C2673677, MONDO:0012714, OMIM 611705. Disease mechanism: loss of function.
Myopathy, myofibrillar, 9, with early respiratory failure (MFM9). Also called: Myopathy, distal, with early respiratory failure, autosomal dominant; EDSTROM MYOPATHY; MYOPATHY, PROXIMAL, WITH EARLY RESPIRATORY MUSCLE INVOLVEMENT; Hereditary myopathy with early respiratory failure. Identifiers: Orphanet 178464, Orphanet 34521, MedGen C1863599, MONDO:0011362, OMIM 603689.
Tibial muscular dystrophy (TMD). Also called: Udd Distal Myopathy – Tibial Muscular Dystrophy; UDD MYOPATHY; Tibial muscular dystrophy, tardive. Identifiers: Orphanet 609, MedGen C1838244, MONDO:0010870, OMIM 600334.
Tip-toe gait. Also called: Toe walking. Identifiers: MedGen C0427144, HP:0030051.

Allele frequency attached by ClinVar (database versions not stated): 1000 Genomes Project 30x 0.00016; 1000 Genomes Project 0.00020; gnomAD exomes 0.00056 and 0.00121; ExAC 0.00059; gnomAD 0.00070 and 0.00071; TOPMed 0.00071; ESP Exome Variant Server 0.00075.
gnomAD v4.1: 1,870 of 1,613,410 alleles (0.12%); highest among the groups gnomAD compares: Non-Finnish European, 0.15%; 4 homozygotes.

Submissions 1 to 14 of 20:

CeGaT Center for Human Genetics Tuebingen
Classification: Likely benign. Last evaluated: 2026-09-01. Review status: criteria provided, single submitter. Criteria: CeGaT Center For Human Genetics Tuebingen Variant Classification Criteria Version 2. Collection method: clinical testing. Allele origin: germline. Affected: yes. Observed: 5 variant alleles.
Comment: TTN: BS2

Myofin, Folkhalsan Research Center
Classification: VUS-high for Autosomal recessive titinopathy. Last evaluated: 2026-02-06. Review status: criteria provided, single submitter. Criteria: ACMG Guidelines, 2015. Collection method: research. Allele origin: germline. Affected: yes.
Comment: The variant is rare in population databases (MAF 0.001159 in gnomAD; 4 homozygotes reported) and has a high deleterious computational prediction (AlphaMissense 0.9890). Given limited case-level evidence and lack of robust variant-level functional/replication data , we classify this variant as Uncertain significance (VUS-high) for recessive titinopathy.

Labcorp Genetics (formerly Invitae), Labcorp
Classification: Likely benign for Dilated cardiomyopathy 1G; Autosomal recessive limb-girdle muscular dystrophy type 2J. Last evaluated: 2026-02-03. Review status: criteria provided, single submitter. Criteria: Invitae Variant Classification Sherloc (09022015). Collection method: clinical testing. Allele origin: germline.

Mayo Clinic Laboratories, Mayo Clinic
Classification: Uncertain significance. Last evaluated: 2025-12-13. Review status: criteria provided, single submitter. Criteria: ACMG Guidelines, 2015. Collection method: clinical testing. Allele origin: germline. Observed: 6 variant alleles.
Comment: PP3_moderate

Molecular Diagnostic Laboratory for Inherited Cardiovascular Disease, Montreal Heart Institute
Classification: Likely benign. Last evaluated: 2025-04-09. Review status: criteria provided, single submitter. Criteria: ACMG Guidelines, 2015. Collection method: clinical testing. Allele origin: germline. Affected: no.

Blueprint Genetics
Classification: Likely benign. Last evaluated: 2024-10-28. Review status: criteria provided, single submitter. Criteria: ACMG Guidelines, 2015. Collection method: clinical testing. Allele origin: germline.

ARUP Laboratories, Molecular Genetics and Genomics, ARUP Laboratories
Classification: Uncertain significance. Last evaluated: 2022-09-12. Review status: criteria provided, single submitter. Criteria: ARUP Molecular Germline Variant Investigation Process 2021. Collection method: clinical testing. Allele origin: germline.
Comment: The TTN c.72146T>C; p.Leu24049Pro variant (rs56399205; ClinVar Variation ID: 191903) is rare in the general population (<0.2% allele frequency in the Genome Aggregation Database) and has not been reported in the medical literature in association with dilated cardiomyopathy (DCM) or other TTN-related disease. The clinical relevance of rare missense variants in this gene, which are identified on average once per individual sequenced in affected populations (Herman 2012), is not well understood. Yet, evidence suggests that the vast majority of such missense variants do not contribute to the clinical outcome of DCM (Begay 2015). Thus, the clinical significance of the p.Leu24049Pro variant cannot be determined with certainty.

Women's Health and Genetics/Laboratory Corporation of America, LabCorp
Classification: Likely benign. Last evaluated: 2021-04-15. Review status: criteria provided, single submitter. Criteria: LabCorp Variant Classification Summary - May 2015. Collection method: clinical testing. Allele origin: germline.
Comment: Variant summary: TTN c.64442T>C (p.Leu21481Pro) results in a non-conservative amino acid change located in the A-band region of the encoded protein sequence. Five of five in-silico tools predict a damaging effect of the variant on protein function. The variant allele was found at a frequency of 0.00056 in 248224 control chromosomes, predominantly at a frequency of 0.0011 within the Non-Finnish European subpopulation in the gnomAD database. The observed variant frequency within Non-Finnish European control individuals in the gnomAD database is approximately 2.8- fold the estimated maximal expected allele frequency for a pathogenic variant in TTN causing Dilated Cardiomyopathy phenotype (0.00039), suggesting that the variant is a benign polymorphism found primarily in populations of Non-Finnish European origin. c.64442T>C has been reported in the literature in individuals affected with cardiomyopathies (e.g. Lopes_2013, Campuzano_2015). These reports do not provide unequivocal conclusions about association of the variant with Dilated Cardiomyopathy. To our knowledge, no experimental evidence demonstrating an impact on protein function has been reported. 11 other clinical diagnostic laboratories have submitted clinical-significance assessments for this variant to ClinVar after 2014 without evidence for independent evaluation. Multiple laboratories reported the variant with conflicting assessments (benign/likely benign, n=5; uncertain significance, n=6). Based on the evidence outlined above, the variant was classified as likely benign.

GeneDx
Classification: Likely benign. Last evaluated: 2020-12-07. Review status: criteria provided, single submitter. Criteria: GeneDx Variant Classification Process June 2021. Collection method: clinical testing. Allele origin: germline. Affected: yes.
Comment: This variant is associated with the following publications: (PMID: 23396983, 17344846, 23861362)

Ambry Genetics
Classification: Likely benign for Cardiovascular phenotype. Last evaluated: 2020-05-29. Review status: criteria provided, single submitter. Criteria: Ambry Autosomal Dominant and X-Linked criteria (2/2020). Collection method: clinical testing. Allele origin: germline. Observed: 1 variant allele.
Comment: Subpopulation frequency in support of benign classification

Center for Advanced Laboratory Medicine, UC San Diego Health, University of California San Diego
Classification: Likely benign for Ventricular tachycardia. Last evaluated: 2018-03-26. Review status: criteria provided, single submitter. Criteria: ACMG Guidelines, 2015. Collection method: clinical testing. Allele origin: germline. Affected: yes. Observed: 2 variant alleles.

Illumina Laboratory Services, Illumina
Classification: Benign for Myopathy, myofibrillar, 9, with early respiratory failure. Last evaluated: 2018-01-12. Review status: criteria provided, single submitter. Criteria: ICSL Variant Classification Criteria 13 December 2019. Collection method: clinical testing. Allele origin: germline.
Comment: This variant was observed in the ICSL laboratory as part of a predisposition screen in an ostensibly healthy population. It had not been previously curated by ICSL or reported in the Human Gene Mutation Database (HGMD: prior to June 1st, 2018), and was therefore a candidate for classification through an automated scoring system. Utilizing variant allele frequency, disease prevalence and penetrance estimates, and inheritance mode, an automated score was calculated to assess if this variant is too frequent to cause the disease. Based on the score and internal cut-off values, a variant classified as benign is not then subjected to further curation. The score for this variant resulted in a classification of benign for this disease.

Illumina Laboratory Services, Illumina
Classification: Benign for Tibial muscular dystrophy. Last evaluated: 2018-01-12. Review status: criteria provided, single submitter. Criteria: ICSL Variant Classification Criteria 13 December 2019. Collection method: clinical testing. Allele origin: germline.
Comment: the same text as in the submission from Illumina Laboratory Services, Illumina above.

Illumina Laboratory Services, Illumina
Classification: Uncertain significance for Autosomal recessive limb-girdle muscular dystrophy type 2J. Last evaluated: 2018-01-12. Review status: criteria provided, single submitter. Criteria: ICSL Variant Classification Criteria 13 December 2019. Collection method: clinical testing. Allele origin: germline.

NM_001267550.2(TTN):c.72146T>C (p.Leu24049Pro)

Genes: TTN (titin; minus strand), TTN-AS1 (TTN antisense RNA 1; plus strand). Cytogenetic location: 2q31.2.
Variant type: single nucleotide variant.
Coding change: c.72146T>C on transcript NM_001267550.2 (MANE Select); coding-DNA position 72146, T replaced by C.
Protein change: p.Leu24049Pro; replaces leucine 24049 with proline.
Molecular consequence: missense variant.
Genome position (GRCh38, 1-based): chr2:178,573,986, A>G on the plus strand (T>C on the coding strand, the complement: TTN is on the minus strand). VCF-style: chr2-178573986-A-G. GRCh37 (hg19) VCF-style: chr2-179438713-A-G.
Other names: p.L22408P:CTG>CCG; c.67223T>C, p.Leu22408Pro (NM_001256850.1); c.44951T>C, p.Leu14984Pro (NM_003319.4); c.64442T>C, p.Leu21481Pro (NM_133378.4); c.45326T>C, p.Leu15109Pro (NM_133432.3); c.45527T>C, p.Leu15176Pro (NM_133437.4); short protein forms L21481P, L24049P, L22408P, L15176P, L15109P, L14984P.
Identifiers: ClinVar variation 191903 (VCV000191903.76), dbSNP rs56399205, ClinGen allele CA302449.